The following is an entry in ClinVar:

ClinVar aggregate classification (germline): Uncertain significance (1 of 4 stars; one submission).

Conditions:
Hereditary cancer-predisposing syndrome. Also called: Neoplastic Syndromes, Hereditary; Tumor predisposition; Hereditary neoplastic syndrome; Hereditary Cancer Syndrome. Identifiers: Orphanet 140162, MedGen C0027672, MeSH D009386, MONDO:0015356.

Submission:

Ambry Genetics
Classification: Uncertain significance for Hereditary cancer-predisposing syndrome. Last evaluated: 2022-05-26. Review status: criteria provided, single submitter. Criteria: Ambry Variant Classification Scheme 2023. Collection method: clinical testing. Allele origin: germline.
Comment: The p.L23V variant (also known as c.67C>G), located in coding exon 2 of the MRE11A gene, results from a C to G substitution at nucleotide position 67. The leucine at codon 23 is replaced by valine, an amino acid with highly similar properties. This amino acid position is highly conserved in available vertebrate species. In addition, this alteration is predicted to be deleterious by in silico analysis. Since supporting evidence is limited at this time, the clinical significance of this alteration remains unclear.

NM_005591.4(MRE11):c.67C>G (p.Leu23Val)

Gene: MRE11 (MRE11 double strand break repair nuclease; minus strand). Cytogenetic location: 11q21.
Variant type: single nucleotide variant.
Coding change: c.67C>G on transcript NM_005591.4 (MANE Select); coding-DNA position 67, C replaced by G.
Protein change: p.Leu23Val; replaces leucine 23 with valine.
Molecular consequence: missense variant.
Genome position (GRCh38, 1-based): chr11:94,490,919, G>C on the plus strand (C>G on the coding strand, the complement: MRE11 is on the minus strand). VCF-style: chr11-94490919-G-C. GRCh37 (hg19) VCF-style: chr11-94224085-G-C.
Other names: c.67C>G, p.Leu23Val (NM_001330347.2, NM_005590.4); short protein forms L23V.
Identifiers: ClinVar variation 826629 (VCV000826629.4), dbSNP rs1591726771, ClinGen allele CA382380944.